The following is an entry in ClinVar:

NM_002900.3(RBP3):c.2689A>G (p.Met897Val)

Gene: RBP3 (retinol binding protein 3; plus strand). Cytogenetic location: 10q11.22.
Variant type: single nucleotide variant.
Coding change: c.2689A>G on transcript NM_002900.3 (MANE Select); coding-DNA position 2689, A replaced by G.
Protein change: p.Met897Val; replaces methionine 897 with valine.
Molecular consequence: missense variant.
Genome position (GRCh38, 1-based): chr10:47,351,173, A>G. VCF-style: chr10-47351173-A-G. GRCh37 (hg19) VCF-style: chr10-48388189-T-C.
Other names: short protein forms M897V.
Identifiers: ClinVar variation 1502775 (VCV001502775.6), dbSNP rs2132255587, ClinGen allele CA376674515.
Genomic context (GRCh38, chr10:47,351,173, plus strand): 5'-CTCTCTGTGGGCATCTACCAGGTGGGCAGCAGCCCCTTATATGCATCCATGCCCACCCAG[A>G]TGGCCATGAGTGCCACCACAGGCAAGGCCTGGGACCTGGCTGGTGTGGAGCCCGACATCA-3'
Protein context (NP_002891.1, residues 887-907): SPLYASMPTQ[Met897Val]AMSATTGKAW

ClinVar aggregate classification (germline): Uncertain significance (1 of 4 stars; one submission).

Submission:

Labcorp Genetics (formerly Invitae), Labcorp
Classification: Uncertain significance. Last evaluated: 2021-11-10. Review status: criteria provided, single submitter. Criteria: Invitae Variant Classification Sherloc (09022015). Collection method: clinical testing. Allele origin: germline.
Comment: Algorithms developed to predict the effect of sequence changes on RNA splicing suggest that this variant may create or strengthen a splice site. This variant has not been reported in the literature in individuals affected with RBP3-related conditions. Algorithms developed to predict the effect of missense changes on protein structure and function output the following: SIFT: "Tolerated"; PolyPhen-2: "Benign"; Align-GVGD: "Class C0". The valine amino acid residue is found in multiple mammalian species, which suggests that this missense change does not adversely affect protein function. This variant is not present in population databases (gnomAD no frequency). In summary, the available evidence is currently insufficient to determine the role of this variant in disease. Therefore, it has been classified as a Variant of Uncertain Significance. This sequence change replaces methionine, which is neutral and non-polar, with valine, which is neutral and non-polar, at codon 897 of the RBP3 protein (p.Met897Val).